The following is an entry in ClinVar:

NM_182961.4(SYNE1):c.9530A>G (p.Asp3177Gly)

Gene: SYNE1 (spectrin repeat containing nuclear envelope protein 1; minus strand). Cytogenetic location: 6q25.2.
Variant type: single nucleotide variant.
Coding change: c.9530A>G on transcript NM_182961.4 (MANE Select); coding-DNA position 9530, A replaced by G.
Protein change: p.Asp3177Gly; replaces aspartic acid 3177 with glycine.
Molecular consequence: missense variant.
Genome position (GRCh38, 1-based): chr6:152,369,592, T>C on the plus strand (A>G on the coding strand, the complement: SYNE1 is on the minus strand). VCF-style: chr6-152369592-T-C. GRCh37 (hg19) VCF-style: chr6-152690727-T-C.
Other names: c.9551A>G, p.Asp3184Gly (NM_033071.5); short protein forms D3184G, D3177G.
Identifiers: ClinVar variation 289776 (VCV000289776.25), dbSNP rs149005052, ClinGen allele CA4057292.

ClinVar aggregate classification (germline): Conflicting classifications of pathogenicity. Review status: criteria provided, conflicting classifications (1 of 4 stars). 6 submissions from 6 submitters: Uncertain significance (3); Likely benign (3). Last evaluated 2026-07-09.

Conditions:
Autosomal recessive ataxia, Beauce type. Also called: Spinocerebellar ataxia, autosomal recessive 8; ATAXIA, RECESSIVE, OF BEAUCE; SYNE1-Related Autosomal Recessive Cerebellar Ataxia; SYNE1 Deficiency. Identifiers: Orphanet 88644, MedGen C1853116, MONDO:0012549, OMIM 610743.
Emery-Dreifuss muscular dystrophy 4, autosomal dominant (EDMD4). Also called: EMERY-DREIFUSS MUSCULAR DYSTROPHY 4 WITH VARIABLE FEATURES. Identifiers: Orphanet 261, MedGen C2751807, MONDO:0013071, OMIM 612998.
SYNE1-related disorder. Also called: SYNE1-related disorders; SYNE1-related disease; SYNE1-related condition.
Inborn genetic diseases. Identifiers: MedGen C0950123, MeSH D030342.

Allele frequency attached by ClinVar (database versions not stated): ESP Exome Variant Server 0.00062; 1000 Genomes Project 30x 0.00078; 1000 Genomes Project 0.00080; gnomAD 0.00081 and 0.00086; TOPMed 0.00096.

Submissions (6):

PreventionGenetics, part of Exact Sciences
Classification: Likely benign for SYNE1-related condition. Last evaluated: 2026-07-09. Review status: criteria provided, single submitter. Criteria: ACMG Guidelines, 2015. Collection method: clinical testing. Allele origin: germline.
Comment: This variant is classified as likely benign based on ACMG/AMP sequence variant interpretation guidelines (Richards et al. 2015 PMID: 25741868, with internal and published modifications).

Labcorp Genetics (formerly Invitae), Labcorp
Classification: Likely benign for Emery-Dreifuss muscular dystrophy 4, autosomal dominant; Autosomal recessive ataxia, Beauce type. Last evaluated: 2026-01-09. Review status: criteria provided, single submitter. Criteria: Invitae Variant Classification Sherloc (09022015). Collection method: clinical testing. Allele origin: germline.

GeneDx
Classification: Uncertain significance. Last evaluated: 2025-10-22. Review status: criteria provided, single submitter. Criteria: GeneDx Variant Classification Process June 2021. Collection method: clinical testing. Allele origin: germline. Affected: yes.
Comment: In silico analysis supports that this missense variant has a deleterious effect on protein structure/function; Has not been previously published as pathogenic or benign to our knowledge

Ambry Genetics
Classification: Uncertain significance for Inborn genetic diseases. Last evaluated: 2021-08-12. Review status: criteria provided, single submitter. Criteria: Ambry Variant Classification Scheme 2023. Collection method: clinical testing. Allele origin: germline.

Athena Diagnostics
Classification: Likely benign. Last evaluated: 2019-11-01. Review status: criteria provided, single submitter. Criteria: Athena Diagnostics Criteria. Collection method: clinical testing. Allele origin: unknown.

Eurofins Ntd Llc (ga)
Classification: Uncertain significance. Last evaluated: 2018-02-02. Review status: criteria provided, single submitter. Criteria: EGL Classification Definitions 2015. Collection method: clinical testing. Allele origin: germline. Observed: 4 variant alleles, 4 heterozygotes.